The following is an entry in ClinVar:

ClinVar aggregate classification (germline): Likely benign (0 of 4 stars; one submission).

Conditions:
KRT10-related disorder. Also called: KRT10-related condition.

Submission:

PreventionGenetics, part of Exact Sciences
Classification: Likely benign for KRT10-related condition. Last evaluated: 2024-05-26. Review status: no assertion criteria provided. Collection method: clinical testing. Allele origin: germline.
Comment: This variant is classified as likely benign based on ACMG/AMP sequence variant interpretation guidelines (Richards et al. 2015 PMID: 25741868, with internal and published modifications).

NM_000421.5(KRT10):c.1542G>C (p.Gly514=)

Gene: KRT10 (keratin 10; minus strand). Cytogenetic location: 17q21.2.
Variant type: single nucleotide variant.
Coding change: c.1542G>C on transcript NM_000421.5 (MANE Select); coding-DNA position 1542, G replaced by C.
Protein change: p.Gly514=; no amino-acid change (glycine 514 retained).
Molecular consequence: synonymous variant.
Genome position (GRCh38, 1-based): chr17:40,818,993, C>G on the plus strand (G>C on the coding strand, the complement: KRT10 is on the minus strand). VCF-style: chr17-40818993-C-G. GRCh37 (hg19) VCF-style: chr17-38975245-C-G.
Other names: c.1542G>C, p.Gly514= (NM_001379366.1).
Identifiers: ClinVar variation 3352750 (VCV003352750.1).